The following is an entry in ClinVar:

ClinVar aggregate classification (germline): Likely benign. Review status: criteria provided, multiple submitters, no conflicts (2 of 4 stars). 2 submissions from 2 submitters: Likely benign (2). Last evaluated 2026-09-02.

Conditions:
RAI1-related disorder. Also called: RAI1-related condition.

Allele frequency attached by ClinVar (database versions not stated): TOPMed below 0.00001; ExAC 0.00001; gnomAD exomes below 0.00001.

Submissions (2):

PreventionGenetics, part of Exact Sciences
Classification: Likely benign for RAI1-related condition. Last evaluated: 2026-09-02. Review status: criteria provided, single submitter. Criteria: ACMG Guidelines, 2015. Collection method: clinical testing. Allele origin: germline.
Comment: This variant is classified as likely benign based on ACMG/AMP sequence variant interpretation guidelines (Richards et al. 2015 PMID: 25741868, with internal and published modifications).

Labcorp Genetics (formerly Invitae), Labcorp
Classification: Likely benign. Last evaluated: 2024-06-22. Review status: criteria provided, single submitter. Criteria: Invitae Variant Classification Sherloc (09022015). Collection method: clinical testing. Allele origin: germline.

NM_030665.4(RAI1):c.501G>T (p.Arg167=)

Gene: RAI1 (retinoic acid induced 1; plus strand). Cytogenetic location: 17p11.2.
Variant type: single nucleotide variant.
Coding change: c.501G>T on transcript NM_030665.4 (MANE Select); coding-DNA position 501, G replaced by T.
Protein change: p.Arg167=; no amino-acid change (arginine 167 retained).
Molecular consequence: synonymous variant.
Genome position (GRCh38, 1-based): chr17:17,793,449, G>T. VCF-style: chr17-17793449-G-T. GRCh37 (hg19) VCF-style: chr17-17696763-G-T.
Other names: c.501G>T (NM_030665.3).
Identifiers: ClinVar variation 2417983 (VCV002417983.8), dbSNP rs774552884, ClinGen allele CA8418137.